The following continues an entry in ClinVar:

NM_001267550.2(TTN):c.8467G>T (p.Val2823Phe)

Gene: TTN. ClinVar aggregate classification (germline): Benign/Likely benign. Benign (15); Likely benign (8).

Submissions 20 to 31 of 31:

Ambry Genetics
Classification: Benign for Cardiovascular phenotype. Last evaluated: 2013-01-16. Review status: criteria provided, single submitter. Criteria: Ambry Autosomal Dominant and X-Linked criteria (10/2015). Collection method: clinical testing. Allele origin: germline. Observed: 1 variant allele.

Laboratory for Molecular Medicine, Mass General Brigham Personalized Medicine
Classification: Benign. Last evaluated: 2012-03-16. Review status: criteria provided, single submitter. Criteria: LMM Criteria. Collection method: clinical testing. Allele origin: germline. Observed: 72 variant alleles.
Comment: Val2823Phe in exon 36 of TTN: This is not expected to have clinical significance because it has been identified in 2.3% (153/7020) of European American chromoso mes from a broad population by the NHLBI Exome Sequencing Project (.; dbSNP rs33917087).

Breakthrough Genomics
Classification: Likely benign. Review status: criteria provided, single submitter. Criteria: ACMG Guidelines, 2015. Collection method: not provided. Allele origin: germline. Inheritance: Autosomal recessive inheritance. Affected: yes.

PreventionGenetics, part of Exact Sciences
Classification: Benign. Review status: criteria provided, single submitter. Criteria: ACMG Guidelines, 2015. Collection method: clinical testing. Allele origin: germline.

Clinical Genetics DNA and cytogenetics Diagnostics Lab, Erasmus MC, Erasmus Medical Center
Classification: Benign. Review status: no assertion criteria provided. Collection method: clinical testing. Allele origin: germline. Affected: yes. Study: VKGL Data-share Consensus. Not counted in ClinVar's aggregate classification.

Clinical Genetics, Academic Medical Center
Classification: Benign. Review status: no assertion criteria provided. Collection method: clinical testing. Allele origin: germline. Affected: yes. Study: VKGL Data-share Consensus. Not counted in ClinVar's aggregate classification.

Diagnostic Laboratory, Department of Genetics, University Medical Center Groningen
Classification: Likely benign. Review status: no assertion criteria provided. Collection method: clinical testing. Allele origin: germline. Affected: yes. Study: VKGL Data-share Consensus. Not counted in ClinVar's aggregate classification.

Dr. Peter K. Rogan Lab, Western University
No classification provided (evidence only). Condition: Thyroid cancer, nonmedullary, 1. Review status: no classification provided. Collection method: in vitro. Allele origin: not applicable. Functional consequence: retained intron. Not counted in ClinVar's aggregate classification.

Genetic Services Laboratory, University of Chicago
Classification: Likely benign for AllHighlyPenetrant. Review status: no assertion criteria provided. Collection method: clinical testing. Allele origin: germline. Not counted in ClinVar's aggregate classification.
Comment: Likely benign based on allele frequency in 1000 Genomes Project or ESP global frequency and its presence in a patient with a rare or unrelated disease phenotype. NOT Sanger confirmed.

Genome Diagnostics Laboratory, University Medical Center Utrecht
Classification: Benign. Review status: no assertion criteria provided. Collection method: clinical testing. Allele origin: germline. Affected: yes. Study: VKGL Data-share Consensus. Not counted in ClinVar's aggregate classification.

Joint Genome Diagnostic Labs from Nijmegen and Maastricht, Radboudumc and MUMC+
Classification: Benign. Review status: no assertion criteria provided. Collection method: clinical testing. Allele origin: germline. Affected: yes. Study: VKGL Data-share Consensus. Not counted in ClinVar's aggregate classification.

Laboratory of Diagnostic Genome Analysis, Leiden University Medical Center (LUMC)
Classification: Likely benign. Review status: no assertion criteria provided. Collection method: clinical testing. Allele origin: germline. Affected: yes. Study: VKGL Data-share Consensus. Not counted in ClinVar's aggregate classification.